The following is an entry in ClinVar:

NM_020937.4(FANCM):c.1328T>G (p.Phe443Cys)

Gene: FANCM (FA complementation group M; plus strand). Cytogenetic location: 14q21.2.
Variant type: single nucleotide variant.
Coding change: c.1328T>G on transcript NM_020937.4 (MANE Select); coding-DNA position 1328, T replaced by G.
Protein change: p.Phe443Cys; replaces phenylalanine 443 with cysteine.
Molecular consequence: missense variant.
Genome position (GRCh38, 1-based): chr14:45,155,391, T>G. VCF-style: chr14-45155391-T-G. GRCh37 (hg19) VCF-style: chr14-45624594-T-G.
Other names: c.1250T>G, p.Phe417Cys (NM_001308133.2); c.1328T>G, p.Phe443Cys (NM_001308134.2); short protein forms F417C, F443C.
Identifiers: ClinVar variation 1312708 (VCV001312708.9), dbSNP rs549724218, ClinGen allele CA7169020.
Genomic context (GRCh38, chr14:45,155,391, plus strand): 5'-AAAAAAACAGAAAAAAATTTTGATATTTTTGTTTTGTTCCAGGAGATAAAAATAAAAAAT[T>G]TGTTTATAGTCATCCAAAGTTAAAGAAATTAGAAGAAGTTGTAATTGAACACTTCAAGTC-3'
Protein context (NP_065988.1, residues 433-453): AIQQGDKNKK[Phe443Cys]VYSHPKLKKL

ClinVar aggregate classification (germline): Uncertain significance. Review status: criteria provided, multiple submitters, no conflicts (2 of 4 stars). 4 submissions from 4 submitters: Uncertain significance (4). Last evaluated 2024-11-18.

Conditions:
Fanconi anemia (FA). Also called: Fanconi's anemia. Identifiers: Orphanet 84, MedGen C0015625, MeSH D005199, MONDO:0019391.
Spermatogenic failure 28. Identifiers: MedGen C4748117, MONDO:0054732, OMIM 618086.
Premature ovarian failure 15. Identifiers: MedGen C4748170, MONDO:0054862, OMIM 618096.
Inborn genetic diseases. Identifiers: MedGen C0950123, MeSH D030342.

Allele frequency attached by ClinVar (database versions not stated): ExAC 0.00002; gnomAD exomes 0.00002; TOPMed 0.00003; gnomAD 0.00005 and 0.00006; 1000 Genomes Project 0.00040; 1000 Genomes Project 30x 0.00047.
gnomAD v4.1: 13 of 1,412,344 alleles (0.00092%); highest among the groups gnomAD compares: African/African-American, 0.016%; no homozygotes.

Submissions (4):

Ambry Genetics
Classification: Uncertain significance for Inborn genetic diseases. Last evaluated: 2024-11-18. Review status: criteria provided, single submitter. Criteria: Ambry Variant Classification Scheme 2023. Collection method: clinical testing. Allele origin: germline.
Comment: The p.F443C variant (also known as c.1328T>G), located in coding exon 8 of the FANCM gene, results from a T to G substitution at nucleotide position 1328. The phenylalanine at codon 443 is replaced by cysteine, an amino acid with highly dissimilar properties. This amino acid position is conserved. In addition, this alteration is predicted to be tolerated by in silico analysis. Based on the available evidence, the clinical significance of this variant remains unclear.

Labcorp Genetics (formerly Invitae), Labcorp
Classification: Uncertain significance for Fanconi anemia. Last evaluated: 2024-10-29. Review status: criteria provided, single submitter. Criteria: Invitae Variant Classification Sherloc (09022015). Collection method: clinical testing. Allele origin: germline.
Comment: This sequence change replaces phenylalanine, which is neutral and non-polar, with cysteine, which is neutral and slightly polar, at codon 443 of the FANCM protein (p.Phe443Cys). This variant is present in population databases (rs549724218, gnomAD 0.03%). This variant has not been reported in the literature in individuals affected with FANCM-related conditions. ClinVar contains an entry for this variant (Variation ID: 1312708). An algorithm developed to predict the effect of missense changes on protein structure and function (PolyPhen-2) suggests that this variant is likely to be tolerated. In summary, the available evidence is currently insufficient to determine the role of this variant in disease. Therefore, it has been classified as a Variant of Uncertain Significance.

GeneDx
Classification: Uncertain significance. Last evaluated: 2024-05-16. Review status: criteria provided, single submitter. Criteria: GeneDx Variant Classification Process June 2021. Collection method: clinical testing. Allele origin: germline. Affected: yes.
Comment: In silico analysis supports that this missense variant has a deleterious effect on protein structure/function; Has not been previously published as pathogenic or benign to our knowledge

Fulgent Genetics
Classification: Uncertain significance for Spermatogenic failure 28; Premature ovarian failure 15. Last evaluated: 2024-02-21. Review status: criteria provided, single submitter. Criteria: ACMG Guidelines, 2015. Collection method: clinical testing. Allele origin: germline.